The following is an entry in ClinVar:

ClinVar aggregate classification (germline): Likely benign (1 of 4 stars; one submission).

Allele frequency attached by ClinVar (database versions not stated): ESP Exome Variant Server 0.00108; 1000 Genomes Project 0.00140; 1000 Genomes Project 30x 0.00156.
gnomAD v4.1: 524 of 1,614,072 alleles (0.032%); highest among the groups gnomAD compares: African/African-American, 0.32%; no homozygotes.

Submission:

CeGaT Center for Human Genetics Tuebingen
Classification: Likely benign. Last evaluated: 2023-04-01. Review status: criteria provided, single submitter. Criteria: CeGaT Center For Human Genetics Tuebingen Variant Classification Criteria Version 2. Collection method: clinical testing. Allele origin: germline. Affected: yes. Observed: 1 variant allele.
Comment: ZNF232: BP4, BP7

NM_014519.6(ZNF232):c.495G>C (p.Pro165=)

Gene: ZNF232 (zinc finger protein 232; minus strand). Cytogenetic location: 17p13.2.
Variant type: single nucleotide variant.
Coding change: c.495G>C on transcript NM_014519.6 (MANE Select); coding-DNA position 495, G replaced by C.
Protein change: p.Pro165=; no amino-acid change (proline 165 retained).
Molecular consequence: synonymous variant. On other transcripts: intron variant (3).
Genome position (GRCh38, 1-based): chr17:5,109,397, C>G on the plus strand (G>C on the coding strand, the complement: ZNF232 is on the minus strand). VCF-style: chr17-5109397-C-G. GRCh37 (hg19) VCF-style: chr17-5012692-C-G.
Other names: c.495G>C, p.Pro165= (NM_001320952.1); c.414G>C, p.Pro138= (NM_001320953.2, NM_001320954.2, NM_001395551.1); c.414+81G>C (NM_001320955.1); c.270+81G>C (NM_001395550.1, NM_001395552.1).
Identifiers: ClinVar variation 2647289 (VCV002647289.24), dbSNP rs112273580, ClinGen allele CA8320364.